The following is an entry in ClinVar:

ClinVar aggregate classification (germline): Pathogenic (1 of 4 stars; one submission).

Conditions:
Holt-Oram syndrome (HOS). Also called: Ventriculo-radial syndrome; Cardiac-limb syndrome; Heart-hand syndrome, type 1; TBX5-Related Holt-Oram Syndrome. Identifiers: Orphanet 392, MedGen C0265264, MONDO:0007732, OMIM 142900.

Submission:

Baylor Genetics
Classification: Pathogenic for Holt-Oram syndrome. Last evaluated: 2019-10-23. Review status: criteria provided, single submitter. Criteria: ACMG Guidelines, 2015. Collection method: clinical testing. Allele origin: de novo. Affected: yes.
Comment: This variant was determined to be pathogenic according to ACMG Guidelines, 2015 [PMID:25741868].

NM_181486.4(TBX5):c.337A>T (p.Arg113Ter)

Gene: TBX5 (T-box transcription factor 5; minus strand). Cytogenetic location: 12q24.21.
Variant type: single nucleotide variant.
Coding change: c.337A>T on transcript NM_181486.4 (MANE Select); coding-DNA position 337, A replaced by T.
Protein change: p.Arg113Ter; replaces arginine 113 with a stop codon.
Molecular consequence: nonsense.
Genome position (GRCh38, 1-based): chr12:114,399,538, T>A on the plus strand (A>T on the coding strand, the complement: TBX5 is on the minus strand). VCF-style: chr12-114399538-T-A. GRCh37 (hg19) VCF-style: chr12-114837343-T-A.
Other names: c.337A>T, p.Arg113Ter (NM_000192.3); c.187A>T, p.Arg63Ter (NM_080717.4); short protein forms R113*, R63*.
Identifiers: ClinVar variation 1030662 (VCV001030662.1), dbSNP rs1871662633, ClinGen allele CA386862555.